The following is an entry in ClinVar:

NC_012920.1(MT-ND1):m.3943A>G

Gene: MT-ND1 (mitochondrially encoded NADH dehydrogenase 1; plus strand).
Variant type: single nucleotide variant.
Genome position: chrM-3943-A-G.
Identifiers: ClinVar variation 692409 (VCV000692409.1), dbSNP rs879176055, ClinGen allele CA337096731.

ClinVar aggregate classification (germline): Likely benign (1 of 4 stars; one submission).

Conditions:
Leigh syndrome (NULS). Also called: Leigh's necrotizing encephalopathy; Leigh's disease; Leigh Syndrome (mtDNA deletion); Leigh Disease; Subacute necrotizing encephalopathy; Necrotizing encephalopathy infantile subacute of Leigh. Identifiers: Orphanet 506, MedGen C2931891, MONDO:0009723, OMIM 256000.

Submission:

Wong Mito Lab, Molecular and Human Genetics, Baylor College of Medicine
Classification: Likely benign for Leigh syndrome. Last evaluated: 2019-10-17. Review status: criteria provided, single submitter. Criteria: Modified ACMG Guidelines (Unpublished). Collection method: clinical testing. Allele origin: germline.
Comment: The NC_012920.1:m.3943A>G (YP_003024026.1:p.Ile213Val) variant in MTND1 gene is interpretated to be a Likely Benign variant based on the modified ACMG guidelines (unpublished). This variant meets the following evidence codes: BS2, BP4